The following is an entry in ClinVar:

NM_170707.4(LMNA):c.822C>G (p.Ala274=)

Gene: LMNA (lamin A/C; plus strand). Cytogenetic location: 1q22.
Variant type: single nucleotide variant.
Coding change: c.822C>G on transcript NM_170707.4 (MANE Select); coding-DNA position 822, C replaced by G.
Protein change: p.Ala274=; no amino-acid change (alanine 274 retained).
Molecular consequence: synonymous variant.
Genome position (GRCh38, 1-based): chr1:156,135,198, C>G. VCF-style: chr1-156135198-C-G. GRCh37 (hg19) VCF-style: chr1-156104989-C-G.
Other names: c.486C>G, p.Ala162= (NM_001257374.3); c.579C>G, p.Ala193= (NM_001282624.2); c.822C>G, p.Ala274= (NM_001282625.2, NM_001282626.2, NM_005572.4 and 1 more transcripts).
Identifiers: ClinVar variation 744142 (VCV000744142.13), dbSNP rs1572360747, ClinGen allele CA421068607.
Genomic context (GRCh38, chr1:156,135,198, plus strand): 5'-TCCACCCCTCCCAGTCACCACAGTCCTAACCCTTTGTCCTCCCCTCCAGCTGGACAATGC[C>G]AGGCAGTCTGCTGAGAGGAACAGCAACCTGGTGGGGGCTGCCCACGAGGAGCTGCAGCAG-3'
Protein context (NP_733821.1, residues 264-284): EKTYSAKLDN[Ala274=]RQSAERNSNL

ClinVar aggregate classification (germline): Likely benign. Review status: criteria provided, multiple submitters, no conflicts (2 of 4 stars). 4 submissions from 4 submitters: Likely benign (4). Last evaluated 2023-10-23.

Conditions:
Primary dilated cardiomyopathy (DCM). Also called: Dilated Cardiomyopathy. Identifiers: Orphanet 217604, MedGen C0007193, MeSH D002311, MONDO:0005021, HP:0001644. Inheritance: Various modes of inheritance.
Charcot-Marie-Tooth disease type 2. Also called: Charcot-Marie-Tooth type 2. Identifiers: Orphanet 64746, MedGen C0270914, MONDO:0018993.
Cardiomyopathy (CMYO). Also called: Cardiomyopathies. Identifiers: Orphanet 167848, MedGen C0878544, MONDO:0004994, HP:0001638. Inheritance: Various modes of inheritance.

Allele frequency attached by ClinVar (database versions not stated): gnomAD 0.00001.

Submissions (4):

Blueprint Genetics
Classification: Likely benign. Last evaluated: 2023-10-23. Review status: criteria provided, single submitter. Criteria: ACMG Guidelines, 2015. Collection method: clinical testing. Allele origin: germline.

All of Us Research Program, National Institutes of Health
Classification: Likely benign for Primary dilated cardiomyopathy. Last evaluated: 2023-10-02. Review status: criteria provided, single submitter. Criteria: ACMG Guidelines, 2015. Collection method: clinical testing. Allele origin: germline. Inheritance: Autosomal dominant inheritance. Observed: 1 variant allele, 1 heterozygote.
Comment: This study involves interpretation of variants in research participants for the purpose of population health screening. Participant phenotype was not available at the time of variant classification. Additional details can be found in publication PMID: 35346344, PMCID: PMC8962531

Color Diagnostics, LLC DBA Color Health
Classification: Likely benign for Cardiomyopathy. Last evaluated: 2023-09-20. Review status: criteria provided, single submitter. Criteria: ACMG Guidelines, 2015. Collection method: clinical testing. Allele origin: germline.

Labcorp Genetics (formerly Invitae), Labcorp
Classification: Likely benign for Charcot-Marie-Tooth disease type 2. Last evaluated: 2019-09-05. Review status: criteria provided, single submitter. Criteria: Invitae Variant Classification Sherloc (09022015). Collection method: clinical testing. Allele origin: germline.